The following is an entry in ClinVar:

NM_004333.6(BRAF):c.159G>A (p.Met53Ile)

Gene: BRAF (B-Raf proto-oncogene, serine/threonine kinase; minus strand). Cytogenetic location: 7q34.
Variant type: single nucleotide variant.
Coding change: c.159G>A on transcript NM_004333.6 (MANE Select); coding-DNA position 159, G replaced by A.
Protein change: p.Met53Ile; replaces methionine 53 with isoleucine.
Molecular consequence: missense variant. On other transcripts: initiator codon variant (2), intron variant (1).
Genome position (GRCh38, 1-based): chr7:140,850,192, C>T on the plus strand (G>A on the coding strand, the complement: BRAF is on the minus strand). VCF-style: chr7-140850192-C-T. GRCh37 (hg19) VCF-style: chr7-140549992-C-T.
Other names: c.159G>A, p.Met53Ile (NM_001354609.2, NM_001374244.1, NM_001374258.1 and 6 more transcripts); c.3G>A, p.Met1Ile (NM_001378472.1, NM_001378473.1); c.139-15320G>A (NM_001378470.1); short protein forms M1I, M53I.
Identifiers: ClinVar variation 1320450 (VCV001320450.5), dbSNP rs2129073763, ClinGen allele CA369588024.

ClinVar aggregate classification (germline): Uncertain significance. Review status: criteria provided, multiple submitters, no conflicts (2 of 4 stars). 2 submissions from 2 submitters: Uncertain significance (2). Last evaluated 2023-01-16.

Submissions (2):

Women's Health and Genetics/Laboratory Corporation of America, LabCorp
Classification: Uncertain significance. Last evaluated: 2023-01-16. Review status: criteria provided, single submitter. Criteria: LabCorp Variant Classification Summary - May 2015. Collection method: clinical testing. Allele origin: germline.
Comment: Variant summary: BRAF c.159G>A (p.Met53Ile) results in a conservative amino acid change in the encoded protein sequence. Three of five in-silico tools predict a benign effect of the variant on protein function. The variant was absent in 250774 control chromosomes. The available data on variant occurrences in the general population are insufficient to allow any conclusion about variant significance. Although listed in a tumor specimen with glioma within the TGCA (The Cancer Genome Atlas) cohort (example, Wang_2022), to our knowledge, no occurrence of c.159G>A in individuals affected with Cardiofaciocutaneous Syndrome and/or other BRAF-related disorders and no experimental evidence demonstrating its impact on protein function have been reported. One clinical diagnostic laboratory has submitted clinical-significance assessments for this variant to ClinVar after 2014 and classified the variant as uncertain significance. Based on the evidence outlined above, the variant was classified as uncertain significance.

GeneDx
Classification: Uncertain significance. Last evaluated: 2020-01-28. Review status: criteria provided, single submitter. Criteria: GeneDx Variant Classification Process June 2021. Collection method: clinical testing. Allele origin: germline. Affected: yes.
Comment: Not observed in large population cohorts (Lek et al., 2016); The majority of missense variants in this gene are considered pathogenic (Stenson et al., 2014); In silico analysis, which includes protein predictors and evolutionary conservation, supports that this variant does not alter protein structure/function; Has not been previously published as pathogenic or benign to our knowledge

Literature cited by the submitters: PubMed 33980169 (cited by Women's Health and Genetics/Laboratory Corporation of America, LabCorp).